The following is an entry in ClinVar:

NM_025136.4(OPA3):c.*398G>T

Genes: OPA3-RTN2 (OPA3-RTN2 readthrough; minus strand), OPA3 (outer mitochondrial membrane lipid metabolism regulator OPA3; minus strand). Cytogenetic location: 19q13.32.
Variant type: single nucleotide variant.
Coding change: c.*398G>T on transcript NM_025136.4 (MANE Select); 398 bases downstream of the stop codon, G replaced by T.
Molecular consequence: 3 prime UTR variant. On other transcripts: intron variant (1).
Genome position (GRCh38, 1-based): chr19:45,553,116, C>A on the plus strand (G>T on the coding strand, the complement: OPA3 is on the minus strand). VCF-style: chr19-45553116-C-A. GRCh37 (hg19) VCF-style: chr19-46056374-C-A.
Other names: c.143-23660G>T (NM_001017989.3).
Identifiers: ClinVar variation 329676 (VCV000329676.5), dbSNP rs183851663, ClinGen allele CA10652609.
Genomic context (GRCh38, chr19:45,553,116, plus strand): 5'-TGCAACACACTGCATTTCCTTACAGTGGTCTGTGCCGATTGACAAAAAGAAGAAGGTGTT[C>A]CAGTGTAACAGATGAGTGTCCCAGTAAAGGTTAACACTGATCAGGTAAACCGGGGGTGGG-3'

ClinVar aggregate classification (germline): Conflicting classifications of pathogenicity. Review status: criteria provided, conflicting classifications (1 of 4 stars). 2 submissions from 1 submitter: Uncertain significance (1); Benign (1). Last evaluated 2018-01-13.

Conditions:
Optic atrophy 3 (OPA3). Also called: OPTIC ATROPHY 3, AUTOSOMAL DOMINANT; Optic atrophy, cataract, and neurologic disorder; Optic atrophy 3 with cataract. Identifiers: Orphanet 67036, MedGen C1833809, MONDO:0008133, OMIM 165300.
3-Methylglutaconic aciduria type 3 (MGCA3). Also called: OPA3, AUTOSOMAL RECESSIVE; OPTIC ATROPHY 3, AUTOSOMAL RECESSIVE; Costeff Syndrome; OPA3-Related 3-Methylglutaconic Aciduria. Identifiers: Orphanet 67047, MedGen C0574084, MONDO:0009787, OMIM 258501.

Allele frequency attached by ClinVar (database versions not stated): gnomAD 0.00414 and 0.00449; 1000 Genomes Project 0.00459; TOPMed 0.00487; 1000 Genomes Project 30x 0.00500.
gnomAD v4.1: 918 of 1,152,816 alleles (0.08%); highest among the groups gnomAD compares: African/African-American, 1.3%; 2 homozygotes.

Submissions (2):

Illumina Laboratory Services, Illumina
Classification: Benign for Optic atrophy 3. Last evaluated: 2018-01-13. Review status: criteria provided, single submitter. Criteria: ICSL Variant Classification Criteria 13 December 2019. Collection method: clinical testing. Allele origin: germline.
Comment: This variant was observed in the ICSL laboratory as part of a predisposition screen in an ostensibly healthy population. It had not been previously curated by ICSL or reported in the Human Gene Mutation Database (HGMD: prior to June 1st, 2018), and was therefore a candidate for classification through an automated scoring system. Utilizing variant allele frequency, disease prevalence and penetrance estimates, and inheritance mode, an automated score was calculated to assess if this variant is too frequent to cause the disease. Based on the score and internal cut-off values, a variant classified as benign is not then subjected to further curation. The score for this variant resulted in a classification of benign for this disease.

Illumina Laboratory Services, Illumina
Classification: Uncertain significance for 3-Methylglutaconic aciduria type 3. Last evaluated: 2018-01-13. Review status: criteria provided, single submitter. Criteria: ICSL Variant Classification Criteria 13 December 2019. Collection method: clinical testing. Allele origin: germline.